The following is an entry in ClinVar:

ClinVar aggregate classification (germline): Uncertain significance (1 of 4 stars; one submission).

Conditions:
Familial cold autoinflammatory syndrome 2 (FCAS2). Identifiers: Orphanet 247868, MedGen C2673198, MONDO:0012724, OMIM 611762.

Allele frequency attached by ClinVar (database versions not stated): gnomAD exomes 0.00001 and 0.00002; ExAC 0.00002.
gnomAD v4.1: 5 of 1,614,082 alleles (0.00031%); highest among the groups gnomAD compares: Admixed American, 0.0083%; no homozygotes.

Submission:

Labcorp Genetics (formerly Invitae), Labcorp
Classification: Uncertain significance for Familial cold autoinflammatory syndrome 2. Last evaluated: 2025-06-18. Review status: criteria provided, single submitter. Criteria: Invitae Variant Classification Sherloc (09022015). Collection method: clinical testing. Allele origin: germline.
Comment: This sequence change replaces glycine, which is neutral and non-polar, with cysteine, which is neutral and slightly polar, at codon 603 of the NLRP12 protein (p.Gly603Cys). This variant is present in population databases (rs756202611, gnomAD 0.01%). This variant has not been reported in the literature in individuals affected with NLRP12-related conditions. ClinVar contains an entry for this variant (Variation ID: 969833). An algorithm developed to predict the effect of missense changes on protein structure and function (PolyPhen-2) suggests that this variant is likely to be disruptive. In summary, the available evidence is currently insufficient to determine the role of this variant in disease. Therefore, it has been classified as a Variant of Uncertain Significance.

NM_144687.4(NLRP12):c.1807G>T (p.Gly603Cys)

Gene: NLRP12 (NLR family pyrin domain containing 12; minus strand). Cytogenetic location: 19q13.42.
Variant type: single nucleotide variant.
Coding change: c.1807G>T on transcript NM_144687.4 (MANE Select); coding-DNA position 1807, G replaced by T.
Protein change: p.Gly603Cys; replaces glycine 603 with cysteine.
Molecular consequence: missense variant.
Genome position (GRCh38, 1-based): chr19:53,809,852, C>A on the plus strand (G>T on the coding strand, the complement: NLRP12 is on the minus strand). VCF-style: chr19-53809852-C-A. GRCh37 (hg19) VCF-style: chr19-54313106-C-A.
Other names: c.1807G>T, p.Gly603Cys (NM_001277126.2, NM_001277129.1); short protein forms G603C.
Identifiers: ClinVar variation 969833 (VCV000969833.10), dbSNP rs756202611, ClinGen allele CA9639347.
Genomic context (GRCh38, chr19:53,809,852, plus strand): 5'-CCTCCTGGATCTCGTACAAGCAGCTGAAGAACTCCAAGGAGCCCTGCTGCAGGGTGGAGC[C>A]GTCGCTCTGAGCTTTGCTTTGGATCCACTGCAACAGGTCCATCTTGATGTGCGGCGAGAC-3'
Protein context (NP_653288.1, residues 593-613): QWIQSKAQSD[Gly603Cys]STLQQGSLEF